The following is an entry in ClinVar:

ClinVar aggregate classification (germline): Uncertain significance. Review status: criteria provided, multiple submitters, no conflicts (2 of 4 stars). 2 submissions from 2 submitters: Uncertain significance (2). Last evaluated 2024-10-28.

Conditions:
Alpha thalassemia-X-linked intellectual disability syndrome (ATRX). Also called: ATR-X syndrome; Alpha thalassemia mental retardation syndrome, nondeletion type, X-linked; XLMR hypotonic face syndrome; X-linked alpha-thalassemia-mental retardation syndrome; ALPHA-THALASSEMIA/IMPAIRED INTELLECTUAL DEVELOPMENT SYNDROME, X-LINKED; ALPHA-THALASSEMIA/MENTAL RETARDATION SYNDROME, X-LINKED. Identifiers: Orphanet 847, MedGen C1845055, MONDO:0010519, OMIM 301040.

Submissions (2):

GeneDx
Classification: Uncertain significance. Last evaluated: 2024-10-28. Review status: criteria provided, single submitter. Criteria: GeneDx Variant Classification Process June 2021. Collection method: clinical testing. Allele origin: germline. Affected: yes.
Comment: Not observed at significant frequency in large population cohorts (gnomAD); In silico analysis indicates that this missense variant does not alter protein structure/function; Has not been previously published as pathogenic or benign to our knowledge

Labcorp Genetics (formerly Invitae), Labcorp
Classification: Uncertain significance for Alpha thalassemia-X-linked intellectual disability syndrome. Last evaluated: 2024-06-27. Review status: criteria provided, single submitter. Criteria: Invitae Variant Classification Sherloc (09022015). Collection method: clinical testing. Allele origin: germline.
Comment: This sequence change replaces lysine, which is basic and polar, with glutamine, which is neutral and polar, at codon 1001 of the ATRX protein (p.Lys1001Gln). This variant is not present in population databases (gnomAD no frequency). This variant has not been reported in the literature in individuals affected with ATRX-related conditions. ClinVar contains an entry for this variant (Variation ID: 1392927). Advanced modeling of protein sequence and biophysical properties (such as structural, functional, and spatial information, amino acid conservation, physicochemical variation, residue mobility, and thermodynamic stability) performed at Invitae indicates that this missense variant is not expected to disrupt ATRX protein function with a negative predictive value of 95%. In summary, the available evidence is currently insufficient to determine the role of this variant in disease. Therefore, it has been classified as a Variant of Uncertain Significance.

NM_000489.6(ATRX):c.3001A>C (p.Lys1001Gln)

Gene: ATRX (ATRX chromatin remodeler; minus strand). Cytogenetic location: Xq21.1.
Variant type: single nucleotide variant.
Coding change: c.3001A>C on transcript NM_000489.6 (MANE Select); coding-DNA position 3001, A replaced by C.
Protein change: p.Lys1001Gln; replaces lysine 1001 with glutamine.
Molecular consequence: missense variant.
Genome position (GRCh38, 1-based): chrX:77,682,255, T>G on the plus strand (A>C on the coding strand, the complement: ATRX is on the minus strand). VCF-style: chrX-77682255-T-G. GRCh37 (hg19) VCF-style: chrX-76937747-T-G.
Other names: c.2887A>C, p.Lys963Gln (NM_138270.5); c.3001A>C (NM_000489.3); short protein forms K963Q, K1001Q.
Identifiers: ClinVar variation 1392927 (VCV001392927.9), dbSNP rs2148583946, ClinGen allele CA413708868.